The following is an entry in ClinVar:

ClinVar aggregate classification (germline): Conflicting classifications of pathogenicity. Review status: criteria provided, conflicting classifications (1 of 4 stars). 4 submissions from 4 submitters: Uncertain significance (3); Likely benign (1). Last evaluated 2025-12-26.

Conditions:
IMAGe syndrome. Also called: Intrauterine growth retardation, metaphyseal dysplasia, adrenal hypoplasia congenita, and genital anomalies; Intrauterine Growth Restriction, Metaphyseal Dysplasia, Adrenal Hypoplasia Congenita, and Genital Anomalies. Identifiers: Orphanet 85173, MedGen C1846009, MONDO:0013873, OMIM 614732.
Beckwith-Wiedemann syndrome (BWS). Also called: Exomphalos macroglossia gigantism syndrome; EMG SYNDROME. Identifiers: Orphanet 116, MedGen C0004903, MONDO:0007534, OMIM 130650.
CDKN1C-related disorder. Also called: CDKN1C-related condition.
Inborn genetic diseases. Identifiers: MedGen C0950123, MeSH D030342.

Allele frequency attached by ClinVar (database versions not stated): gnomAD 0.00002.

Submissions (4):

PreventionGenetics, part of Exact Sciences
Classification: Uncertain significance for CDKN1C-related condition. Last evaluated: 2025-12-26. Review status: criteria provided, single submitter. Criteria: ACMG Guidelines, 2015. Collection method: clinical testing. Allele origin: germline.
Comment: The CDKN1C c.586G>C variant is predicted to result in the amino acid substitution p.Ala196Pro. To our knowledge, this variant has not been reported in the literature or in a large population database (gnomAD), indicating this variant is rare. It has conflicting classifications in ClinVar ranging from likely benign to uncertain (Variation ID: 524686). At this time, the clinical significance of this variant is uncertain due to the absence of conclusive functional and genetic evidence.

Ambry Genetics
Classification: Uncertain significance for Inborn genetic diseases. Last evaluated: 2025-05-06. Review status: criteria provided, single submitter. Criteria: Ambry Variant Classification Scheme 2023. Collection method: clinical testing. Allele origin: germline.

Labcorp Genetics (formerly Invitae), Labcorp
Classification: Likely benign for Beckwith-Wiedemann syndrome. Last evaluated: 2025-04-11. Review status: criteria provided, single submitter. Criteria: Invitae Variant Classification Sherloc (09022015). Collection method: clinical testing. Allele origin: germline.

Fulgent Genetics
Classification: Uncertain significance for Beckwith-Wiedemann syndrome; IMAGe syndrome. Last evaluated: 2022-03-14. Review status: criteria provided, single submitter. Criteria: ACMG Guidelines, 2015. Collection method: clinical testing. Allele origin: unknown.

NM_001122630.2(CDKN1C):c.553G>C (p.Ala185Pro)

Gene: CDKN1C (cyclin dependent kinase inhibitor 1C; minus strand). Cytogenetic location: 11p15.4.
Variant type: single nucleotide variant.
Coding change: c.553G>C on transcript NM_001122630.2 (MANE Select); coding-DNA position 553, G replaced by C.
Protein change: p.Ala185Pro; replaces alanine 185 with proline.
Molecular consequence: missense variant. On other transcripts: intron variant (1).
Genome position (GRCh38, 1-based): chr11:2,884,904, C>G on the plus strand (G>C on the coding strand, the complement: CDKN1C is on the minus strand). VCF-style: chr11-2884904-C-G. GRCh37 (hg19) VCF-style: chr11-2906134-C-G.
Other names: c.586G>C, p.Ala196Pro (LRG_533t1, NM_000076.2, NM_001362474.2); c.553G>C, p.Ala185Pro (NM_001122631.2); c.255+298G>C (NM_001362475.2); short protein forms A196P, A185P.
Identifiers: ClinVar variation 524686 (VCV000524686.15), dbSNP rs1281835164, ClinGen allele CA379146399.
Genomic context (GRCh38, chr11:2,884,904, plus strand): 5'-GGGCCGGGGCCGGGGCGGGGGCCGGGGCCGGGGCCGGGGCCGGGGCTGGGGCCGGGGCCG[C>G]GACTGGAGCCGGGGCCGGAGCCGGAGCCGGAGCCGGGGCCGGGGCCGGGGCCAGGACCGC-3'
Protein context (NP_001116102.1, residues 175-195): PAPAPAPAPV[Ala185Pro]APAPAPAPAP